The following is an entry in ClinVar:

ClinVar aggregate classification (germline): Pathogenic/Likely pathogenic. Review status: criteria provided, multiple submitters, no conflicts (2 of 4 stars). 2 submissions from 2 submitters: Pathogenic (1); Likely pathogenic (1). Last evaluated 2023-07-28.

Conditions:
Metachromatic leukodystrophy (MLD). Also called: Cerebral sclerosis diffuse metachromatic form; METACHROMATIC LEUKOENCEPHALOPATHY; SULFATIDE LIPIDOSIS; ARSA DEFICIENCY; CEREBROSIDE SULFATASE DEFICIENCY; Arylsulfatase A Deficiency. Identifiers: Orphanet 512, MedGen C0023522, MONDO:0018868, OMIM 250100.

Allele frequency attached by ClinVar (database versions not stated): TOPMed 0.00001.

Submissions (2):

Labcorp Genetics (formerly Invitae), Labcorp
Classification: Pathogenic for Metachromatic leukodystrophy. Last evaluated: 2023-07-28. Review status: criteria provided, single submitter. Criteria: Invitae Variant Classification Sherloc (09022015). Collection method: clinical testing. Allele origin: germline.
Comment: This sequence change creates a premature translational stop signal (p.Glu309*) in the ARSA gene. It is expected to result in an absent or disrupted protein product. Loss-of-function variants in ARSA are known to be pathogenic (PMID: 8962139, 10477432). For these reasons, this variant has been classified as Pathogenic. Algorithms developed to predict the effect of sequence changes on RNA splicing suggest that this variant may disrupt the consensus splice site. ClinVar contains an entry for this variant (Variation ID: 928724). This variant is also known as c.919G>T (p.E307X). This premature translational stop signal has been observed in individual(s) with ARSA-related conditions (PMID: 18693274). This variant is not present in population databases (gnomAD no frequency).

Women's Health and Genetics/Laboratory Corporation of America, LabCorp
Classification: Likely pathogenic for Metachromatic leukodystrophy. Last evaluated: 2019-11-29. Review status: criteria provided, single submitter. Criteria: LabCorp Variant Classification Summary - May 2015. Collection method: clinical testing. Allele origin: germline.
Comment: Variant summary: ARSA c.925G>T (p.Glu309X) results in a premature termination codon, predicted to cause a truncation of the encoded protein or absence of the protein due to nonsense mediated decay, which are commonly known mechanisms for disease. Truncations downstream of this position have been classified as pathogenic by our laboratory. The variant allele was found at a frequency of 4.1e-06 in 246094 control chromosomes (gnomAD). c.925G>T has been reported in the literature in a compound heterozygous individual affected with Metachromatic Leukodystrophy (Grossi_2008). No clinical diagnostic laboratories have submitted clinical-significance assessments for this variant to ClinVar after 2014. Based on the evidence outlined above, the variant was classified as likely pathogenic.

Literature cited by the submitters: PubMed 8962139 (cited by Labcorp Genetics (formerly Invitae), Labcorp); PubMed 10477432 (cited by Labcorp Genetics (formerly Invitae), Labcorp); PubMed 18693274 (cited by Labcorp Genetics (formerly Invitae), Labcorp and Women's Health and Genetics/Laboratory Corporation of America, LabCorp); PubMed 26462614 (cited by Women's Health and Genetics/Laboratory Corporation of America, LabCorp).

NM_000487.6(ARSA):c.925G>T (p.Glu309Ter)

Gene: ARSA (arylsulfatase A; minus strand). Cytogenetic location: 22q13.33.
Variant type: single nucleotide variant.
Coding change: c.925G>T on transcript NM_000487.6 (MANE Select); coding-DNA position 925, G replaced by T.
Protein change: p.Glu309Ter; replaces glutamic acid 309 with a stop codon.
Molecular consequence: nonsense.
Genome position (GRCh38, 1-based): chr22:50,626,208, C>A on the plus strand (G>T on the coding strand, the complement: ARSA is on the minus strand). VCF-style: chr22-50626208-C-A. GRCh37 (hg19) VCF-style: chr22-51064636-C-A.
Other names: c.925G>T, p.Glu309Ter (NM_001085425.3, NM_001085426.3, NM_001085427.3); c.667G>T, p.Glu223Ter (NM_001085428.3, NM_001362782.2); short protein forms E223*, E309*.
Identifiers: ClinVar variation 928724 (VCV000928724.4), dbSNP rs199476360, ClinGen allele CA10324873.
Genomic context (GRCh38, chr22:50,626,208, plus strand): 5'-ACTGACCGGGAGCGATATGACCTGGCCAGAAGGCCAAGGCAGGCTCTCGGACACCGCCCT[C>A]GTAGGTCGTTCCCTTTCCACACCGCAAGAGACCGGAGCAGCCGCCTCGGGACATACGCAT-3'